The following is an entry in ClinVar:

NM_000268.4(NF2):c.*4G>A

Gene: NF2 (NF2, moesin-ezrin-radixin like (MERLIN) tumor suppressor; plus strand). Cytogenetic location: 22q12.2.
Variant type: single nucleotide variant.
Coding change: c.*4G>A on transcript NM_000268.4 (MANE Select); 4 bases downstream of the stop codon, G replaced by A.
Molecular consequence: 3 prime UTR variant. On other transcripts: non-coding transcript variant (1).
Genome position (GRCh38, 1-based): chr22:29,694,806, G>A. VCF-style: chr22-29694806-G-A. GRCh37 (hg19) VCF-style: chr22-30090795-G-A.
Other names: c.*64G>A (NM_016418.5, NM_181828.3, NM_181829.3 and 1 more transcripts); c.*79G>A (NM_181832.3, NM_181832.2); c.*4G>A (NM_181833.3).
Identifiers: ClinVar variation 341075 (VCV000341075.45), dbSNP rs141099051, ClinGen allele CA041877.
Genomic context (GRCh38, chr22:29,694,806, plus strand): 5'-TTACAGCTCACCTTGCAGAGCGCCAAGTCCCGAGTGGCCTTCTTTGAAGAGCTCTAGCAG[G>A]TGACCCAGCCACCCCAGGACCTGCCACTTCTCCTGCTACCGGGACCGCGGGATGGACCAG-3'

ClinVar aggregate classification (germline): Benign/Likely benign. Review status: criteria provided, multiple submitters, no conflicts (2 of 4 stars). 12 submissions from 12 submitters: Benign (7); Likely benign (4). 1 of the submissions does not count toward it. Last evaluated 2026-04-01.

Conditions:
Hereditary cancer-predisposing syndrome. Also called: Hereditary Cancer Syndrome; Tumor predisposition; Neoplastic Syndromes, Hereditary; Hereditary neoplastic syndrome. Identifiers: Orphanet 140162, MedGen C0027672, MeSH D009386, MONDO:0015356.
Neurofibromatosis, type 2 (SWNV). Also called: NF2-Related Schwannomatosis; BILATERAL ACOUSTIC NEUROFIBROMATOSIS; SCHWANNOMATOSIS, VESTIBULAR. Identifiers: Orphanet 637, MedGen C0027832, MONDO:0007039, OMIM 101000. Disease mechanism: loss of function.
NF2-related disorder. Also called: NF2-related condition.

Allele frequency attached by ClinVar (database versions not stated): gnomAD exomes 0.00034 and 0.00074; ExAC 0.00090; gnomAD 0.00164 and 0.00165; TOPMed 0.00168; ESP Exome Variant Server 0.00200; 1000 Genomes Project 0.00280; 1000 Genomes Project 30x 0.00312.
gnomAD v4.1: 764 of 1,612,236 alleles (0.047%); highest among the groups gnomAD compares: African/African-American, 0.48%; 4 homozygotes.

Submissions (12):

CeGaT Center for Human Genetics Tuebingen
Classification: Likely benign. Last evaluated: 2026-04-01. Review status: criteria provided, single submitter. Criteria: CeGaT Center For Human Genetics Tuebingen Variant Classification Criteria Version 2. Collection method: clinical testing. Allele origin: germline. Affected: yes. Observed: 14 variant alleles.
Comment: NF2: BS1

Blueprint Genetics
Classification: Likely benign. Last evaluated: 2024-11-13. Review status: criteria provided, single submitter. Criteria: ACMG Guidelines, 2015. Collection method: clinical testing. Allele origin: germline.

All of Us Research Program, National Institutes of Health
Classification: Benign for Neurofibromatosis, type 2. Last evaluated: 2024-02-05. Review status: criteria provided, single submitter. Criteria: ACMG Guidelines, 2015. Collection method: clinical testing. Allele origin: germline. Inheritance: Autosomal dominant inheritance. Observed: 155 variant alleles, 155 heterozygotes.
Comment: This study involves interpretation of variants in research participants for the purpose of population health screening. Participant phenotype was not available at the time of variant classification. Additional details can be found in publication PMID: 35346344, PMCID: PMC8962531

Department of Pathology and Laboratory Medicine, Sinai Health System
Classification: Benign for neurofibromatosis type 2. Last evaluated: 2023-10-03. Review status: criteria provided, single submitter. Criteria: ACMG Guidelines, 2015. Collection method: clinical testing. Allele origin: germline. Affected: yes.

Color Diagnostics, LLC DBA Color Health
Classification: Benign for Neurofibromatosis, type 2. Last evaluated: 2022-11-06. Review status: criteria provided, single submitter. Criteria: ACMG Guidelines, 2015. Collection method: clinical testing. Allele origin: germline.

GeneDx
Classification: Likely benign. Last evaluated: 2022-05-04. Review status: criteria provided, single submitter. Criteria: GeneDx Variant Classification Process June 2021. Collection method: clinical testing. Allele origin: germline. Affected: yes.
Comment: See Variant Classification Assertion Criteria.

Genome-Nilou Lab
Classification: Benign for Neurofibromatosis, type 2. Last evaluated: 2021-11-07. Review status: criteria provided, single submitter. Criteria: ACMG Guidelines, 2015. Collection method: clinical testing. Allele origin: germline. Affected: no.

Illumina Laboratory Services, Illumina
Classification: Benign for Neurofibromatosis, type 2. Last evaluated: 2018-01-13. Review status: criteria provided, single submitter. Criteria: ICSL Variant Classification Criteria 13 December 2019. Collection method: clinical testing. Allele origin: germline.
Comment: This variant was observed in the ICSL laboratory as part of a predisposition screen in an ostensibly healthy population. It had not been previously curated by ICSL or reported in the Human Gene Mutation Database (HGMD: prior to June 1st, 2018), and was therefore a candidate for classification through an automated scoring system. Utilizing variant allele frequency, disease prevalence and penetrance estimates, and inheritance mode, an automated score was calculated to assess if this variant is too frequent to cause the disease. Based on the score and internal cut-off values, a variant classified as benign is not then subjected to further curation. The score for this variant resulted in a classification of benign for this disease.

Ambry Genetics
Classification: Benign for Hereditary cancer-predisposing syndrome. Last evaluated: 2017-02-10. Review status: criteria provided, single submitter. Criteria: Ambry Variant Classification Scheme 2023. Collection method: clinical testing. Allele origin: germline.

Women's Health and Genetics/Laboratory Corporation of America, LabCorp
Classification: Benign. Last evaluated: 2016-05-13. Review status: criteria provided, single submitter. Criteria: LabCorp Variant Classification Summary - May 2015. Collection method: clinical testing. Allele origin: germline.
Comment: Variant summary: The NF2 c.*4G>A variant involves the alteration of a non-conserved nucleotide located in the 3'UTR. This variant was found in the large, broad control population, ExAC, with an allele frequency of 95/105096 (1/1106, 0.0009039), which significantly exceeds the estimated maximal expected allele frequency for a pathogenic NF2 variant of 1/52910 (0.0000189), suggesting this variant is likely a benign polymorphism. Therefore, the variant of interest is classified as Benign.

Breakthrough Genomics
Classification: Likely benign. Review status: criteria provided, single submitter. Criteria: ACMG Guidelines, 2015. Collection method: not provided. Allele origin: germline. Inheritance: Autosomal dominant inheritance. Affected: yes.

PreventionGenetics, part of Exact Sciences
Classification: Benign for NF2-related condition. Last evaluated: 2021-08-23. Review status: no assertion criteria provided. Collection method: clinical testing. Allele origin: germline. Not counted in ClinVar's aggregate classification.
Comment: This variant is classified as benign based on ACMG/AMP sequence variant interpretation guidelines (Richards et al. 2015 PMID: 25741868, with internal and published modifications).